The following is an entry in ClinVar:

NM_000059.4(BRCA2):c.5479_5482delinsTTT (p.Ile1827fs)

Gene: BRCA2 (BRCA2 DNA repair associated; plus strand). Cytogenetic location: 13q13.1.
Variant type: Indel.
Coding change: c.5479_5482delinsTTT on transcript NM_000059.4 (MANE Select); coding-DNA positions 5479 to 5482, ATTA replaced by TTT.
Protein change: p.Ile1827fs; shifts the reading frame from isoleucine 1827.
Molecular consequence: frameshift variant.
Genome position (GRCh38, 1-based): chr13:32,339,834-32,339,837, ATTA replaced by TTT. VCF-style: chr13-32339834-ATTA-TTT. GRCh37 (hg19) VCF-style: chr13-32913971-ATTA-TTT.
Other names: c.5479_5482delATTAinsTTT (NM_000059.3); short protein forms I1827fs.
Identifiers: ClinVar variation 923902 (VCV000923902.4), dbSNP rs2072530398, ClinGen allele CA1139663221.
Genomic context (GRCh38, chr13:32,339,834, plus strand): 5'-GATATTTGCGTTGAGGAACTTGTGACTAGCTCTTCACCCTGCAAAAATAAAAATGCAGCC[ATTA>TTT]AATTGTCCATATCTAATAGTAATAATTTTGAGGTAGGGCCACCTGCATTTAGGATAGCCA-3'

ClinVar aggregate classification (germline): Pathogenic. Review status: criteria provided, multiple submitters, no conflicts (2 of 4 stars). 2 submissions from 2 submitters: Pathogenic (2). Last evaluated 2025-03-20.

Conditions:
Hereditary cancer-predisposing syndrome. Also called: Neoplastic Syndromes, Hereditary; Tumor predisposition; Hereditary Cancer Syndrome; Hereditary neoplastic syndrome. Identifiers: Orphanet 140162, MedGen C0027672, MeSH D009386, MONDO:0015356.

Submissions (2):

Ambry Genetics
Classification: Pathogenic for Hereditary cancer-predisposing syndrome. Last evaluated: 2025-03-20. Review status: criteria provided, single submitter. Criteria: Ambry Variant Classification Scheme 2023. Collection method: clinical testing. Allele origin: germline.
Comment: The c.5479_5482delATTAinsTTT pathogenic mutation, located in coding exon 10 of the BRCA2 gene, results from the deletion of 4 nucleotides and insertion of 3 nucleotides causing a translational frameshift with a predicted alternate stop codon (p.I1827Ffs*13). This variant is considered to be rare based on population cohorts in the Genome Aggregation Database (gnomAD). This alteration is expected to result in loss of function by premature protein truncation or nonsense-mediated mRNA decay. As such, this alteration is interpreted as a disease-causing mutation.

Color Diagnostics, LLC DBA Color Health
Classification: Pathogenic for Hereditary cancer-predisposing syndrome. Last evaluated: 2019-10-29. Review status: criteria provided, single submitter. Criteria: ACMG Guidelines, 2015. Collection method: clinical testing. Allele origin: germline.
Comment: This variant deletes 4 nucleotides and inserts 3 nucleotides in exon 11 of the BRCA2 gene, creating a frameshift and premature translation stop signal. Splice site prediction tools suggest that this variant may not impact RNA splicing. To our knowledge, functional studies have not been performed for this variant. This variant has not been reported in individuals affected with hereditary cancer in the literature. This variant has not been identified in the general population by the Genome Aggregation Database (gnomAD). Loss of BRCA2 function is a known mechanism of disease. Based on the available evidence, this variant is classified as Pathogenic.